The following is an entry in ClinVar:

NM_080916.3(DGUOK):c.176C>G (p.Thr59Arg)

Gene: DGUOK (deoxyguanosine kinase; plus strand). Cytogenetic location: 2p13.1.
Variant type: single nucleotide variant.
Coding change: c.176C>G on transcript NM_080916.3 (MANE Select); coding-DNA position 176, C replaced by G.
Protein change: p.Thr59Arg; replaces threonine 59 with arginine.
Molecular consequence: missense variant. On other transcripts: intron variant (4).
Genome position (GRCh38, 1-based): chr2:73,938,943, C>G. VCF-style: chr2-73938943-C-G. GRCh37 (hg19) VCF-style: chr2-74166070-C-G.
Other names: p.T59R:ACG>AGG; c.176C>G, p.Thr59Arg (NM_001318859.2, NM_080918.3); c.-37+6260C>G (NM_001318861.2, NM_001318862.2); c.-36-7776C>G (NM_001318860.2, NM_001318863.2); short protein forms T59R.
Identifiers: ClinVar variation 214277 (VCV000214277.18), dbSNP rs144907403, ClinGen allele CA325371.

ClinVar aggregate classification (germline): Uncertain significance. Review status: criteria provided, multiple submitters, no conflicts (2 of 4 stars). 7 submissions from 7 submitters: Uncertain significance (6). 1 of the submissions does not count toward it. Last evaluated 2026-01-20.

Conditions:
DGUOK-related disorder. Also called: DGUOK-related condition.

Allele frequency attached by ClinVar (database versions not stated): TOPMed 0.00021.

Submissions (7):

PreventionGenetics, part of Exact Sciences
Classification: Uncertain significance for DGUOK-related condition. Last evaluated: 2026-01-20. Review status: criteria provided, single submitter. Criteria: ACMG Guidelines, 2015. Collection method: clinical testing. Allele origin: germline.
Comment: The DGUOK c.176C>G variant is predicted to result in the amino acid substitution p.Thr59Arg. To our knowledge, this variant has not been reported in the literature. This variant is reported in 0.036% of alleles in individuals of European (Non-Finnish) descent in gnomAD. At this time, the clinical significance of this variant is uncertain due to the absence of conclusive functional and genetic evidence.

GeneDx
Classification: Uncertain significance. Last evaluated: 2025-02-20. Review status: criteria provided, single submitter. Criteria: GeneDx Variant Classification Process June 2021. Collection method: clinical testing. Allele origin: germline. Affected: yes.
Comment: See Variant Classification Assertion Criteria.

Blueprint Genetics
Classification: Uncertain significance. Last evaluated: 2024-08-13. Review status: criteria provided, single submitter. Criteria: ACMG Guidelines, 2015. Collection method: clinical testing. Allele origin: germline.

Labcorp Genetics (formerly Invitae), Labcorp
Classification: Uncertain significance. Last evaluated: 2022-05-04. Review status: criteria provided, single submitter. Criteria: Invitae Variant Classification Sherloc (09022015). Collection method: clinical testing. Allele origin: germline.
Comment: This sequence change replaces threonine, which is neutral and polar, with arginine, which is basic and polar, at codon 59 of the DGUOK protein (p.Thr59Arg). This variant is present in population databases (rs144907403, gnomAD 0.04%). This variant has not been reported in the literature in individuals affected with DGUOK-related conditions. ClinVar contains an entry for this variant (Variation ID: 214277). Algorithms developed to predict the effect of missense changes on protein structure and function (SIFT, PolyPhen-2, Align-GVGD) all suggest that this variant is likely to be tolerated. In summary, the available evidence is currently insufficient to determine the role of this variant in disease. Therefore, it has been classified as a Variant of Uncertain Significance.

Revvity Omics, Revvity
Classification: Uncertain significance. Last evaluated: 2022-04-21. Review status: criteria provided, single submitter. Criteria: ACMG Guidelines, 2015. Collection method: clinical testing. Allele origin: germline.

Eurofins Ntd Llc (ga)
Classification: Uncertain significance. Last evaluated: 2018-05-11. Review status: criteria provided, single submitter. Criteria: EGL ClinVar v180209 classification definitions. Collection method: clinical testing. Allele origin: germline. Observed: 2 variant alleles, 2 heterozygotes.

Mayo Clinic Laboratories, Mayo Clinic
Classification: Uncertain significance. Last evaluated: 2016-03-14. Review status: no assertion criteria provided. Collection method: clinical testing. Allele origin: unknown. Not counted in ClinVar's aggregate classification.